The following is an entry in ClinVar:

ClinVar aggregate classification (germline): Uncertain significance (1 of 4 stars; one submission).

Conditions:
Charcot-Marie-Tooth disease axonal type 2P. Also called: CHARCOT-MARIE-TOOTH NEUROPATHY, TYPE 2P; CHARCOT-MARIE-TOOTH DISEASE, AXONAL, TYPE 2G; CMT 2G; Charcot-Marie-Tooth Neuropathy Type 2G. Identifiers: Orphanet 300319, Orphanet 99941, MedGen C3280797, MONDO:0013753, OMIM 614436.

Submission:

Labcorp Genetics (formerly Invitae), Labcorp
Classification: Uncertain significance for Charcot-Marie-Tooth disease axonal type 2P. Last evaluated: 2022-06-13. Review status: criteria provided, single submitter. Criteria: Invitae Variant Classification Sherloc (09022015). Collection method: clinical testing. Allele origin: germline.
Comment: In summary, the available evidence is currently insufficient to determine the role of this variant in disease. Therefore, it has been classified as a Variant of Uncertain Significance. Algorithms developed to predict the effect of missense changes on protein structure and function are either unavailable or do not agree on the potential impact of this missense change (SIFT: "Deleterious"; PolyPhen-2: "Benign"; Align-GVGD: "Class C0"). ClinVar contains an entry for this variant (Variation ID: 1015941). This variant has not been reported in the literature in individuals affected with LRSAM1-related conditions. This variant is not present in population databases (gnomAD no frequency). This sequence change replaces leucine, which is neutral and non-polar, with arginine, which is basic and polar, at codon 629 of the LRSAM1 protein (p.Leu629Arg).

NM_001005373.4(LRSAM1):c.1886T>G (p.Leu629Arg)

Gene: LRSAM1 (leucine rich repeat and sterile alpha motif containing 1; plus strand). Cytogenetic location: 9q33.3.
Variant type: single nucleotide variant.
Coding change: c.1886T>G on transcript NM_001005373.4 (MANE Select); coding-DNA position 1886, T replaced by G.
Protein change: p.Leu629Arg; replaces leucine 629 with arginine.
Molecular consequence: missense variant. On other transcripts: non-coding transcript variant (2).
Genome position (GRCh38, 1-based): chr9:127,497,308, T>G. VCF-style: chr9-127497308-T-G. GRCh37 (hg19) VCF-style: chr9-130259587-T-G.
Other names: c.1886T>G, p.Leu629Arg (NM_001005374.4, NM_001384142.1, NM_138361.5); c.1805T>G, p.Leu602Arg (NM_001190723.3); c.1787T>G, p.Leu596Arg (NM_001384143.1); c.1097T>G, p.Leu366Arg (NM_001384144.1); short protein forms L366R, L596R, L602R, L629R.
Identifiers: ClinVar variation 1015941 (VCV001015941.8), dbSNP rs1836188217, ClinGen allele CA374936594.
Genomic context (GRCh38, chr9:127,497,308, plus strand): 5'-CACAGGTGGGCGTCTCAGAAGCTGGCCTGCAGCACGAGATCCTCCGGAGAGTCCAGGAAC[T>G]GCTGGATGCAGCCAGGATCCAGCCAGGTACAAGCACAGCTCCAGCCTCTTCCAGGCAGGG-3'
Protein context (NP_001005373.1, residues 619-639): QHEILRRVQE[Leu629Arg]LDAARIQPEL